The following is an entry in ClinVar:

Single allele

Genes: GLT1D1 (glycosyltransferase 1 domain containing 1; plus strand), SLC15A4 (solute carrier family 15 member 4; minus strand), TMEM132C (transmembrane protein 132C; plus strand), TMEM132D (transmembrane protein 132D; minus strand). Cytogenetic location: 12q24.32-24.33.
Variant type: Deletion.
Identifiers: ClinVar variation 560129 (VCV000560129.3).

ClinVar aggregate classification (germline): Uncertain significance (1 of 4 stars; one submission).

Submission:

Geisinger Autism and Developmental Medicine Institute, Geisinger Health System
Classification: Uncertain significance. Last evaluated: 2018-03-28. Review status: criteria provided, single submitter. Criteria: ACMG CNV Guidelines, 2011. Collection method: provider interpretation. Allele origin: unknown.
Comment: Parental testing was not completed. This deletion includes a portion of TMEM132C and the entirity of TMEM132B, SLC15A4, and GLT1D1, none of which are associated with a known clinical disorder at present. The clinical significance of this deletion remains unclear at this time.